The following is an entry in ClinVar:

NM_024675.4(PALB2):c.1018A>G (p.Asn340Asp)

Gene: PALB2 (partner and localizer of BRCA2; minus strand). Cytogenetic location: 16p12.2.
Variant type: single nucleotide variant.
Coding change: c.1018A>G on transcript NM_024675.4 (MANE Select); coding-DNA position 1018, A replaced by G.
Protein change: p.Asn340Asp; replaces asparagine 340 with aspartic acid.
Molecular consequence: missense variant. On other transcripts: intron variant (3).
Genome position (GRCh38, 1-based): chr16:23,635,528, T>C on the plus strand (A>G on the coding strand, the complement: PALB2 is on the minus strand). VCF-style: chr16-23635528-T-C. GRCh37 (hg19) VCF-style: chr16-23646849-T-C.
Other names: c.958A>G, p.Asn320Asp (NM_001407296.1); c.1018A>G, p.Asn340Asp (NM_001407297.1, NM_001407298.1, NM_001407299.1 and 3 more transcripts); c.133A>G, p.Asn45Asp (NM_001407304.1, NM_001407305.1, NM_001407306.1 and 5 more transcripts); c.48+5582A>G (NM_001407314.1); c.-104-5059A>G (NM_001407313.1, NM_001407312.1); short protein forms N45D, N320D, N340D.
Identifiers: ClinVar variation 2567554 (VCV002567554.2), dbSNP rs2142428331, ClinGen allele CA395134405.

ClinVar aggregate classification (germline): Uncertain significance (1 of 4 stars; one submission).

Conditions:
Hereditary cancer-predisposing syndrome. Also called: Hereditary neoplastic syndrome; Hereditary Cancer Syndrome; Neoplastic Syndromes, Hereditary; Tumor predisposition. Identifiers: Orphanet 140162, MedGen C0027672, MeSH D009386, MONDO:0015356.

Submission:

Ambry Genetics
Classification: Uncertain significance for Hereditary cancer-predisposing syndrome. Last evaluated: 2023-03-19. Review status: criteria provided, single submitter. Criteria: Ambry Variant Classification Scheme 2023. Collection method: clinical testing. Allele origin: germline.
Comment: The p.N340D variant (also known as c.1018A>G), located in coding exon 4 of the PALB2 gene, results from an A to G substitution at nucleotide position 1018. The asparagine at codon 340 is replaced by aspartic acid, an amino acid with highly similar properties. This amino acid position is conserved. In addition, this alteration is predicted to be tolerated by in silico analysis. Since supporting evidence is limited at this time, the clinical significance of this alteration remains unclear.